The following is an entry in ClinVar:

NM_000321.3(RB1):c.577G>C (p.Val193Leu)

Gene: RB1 (RB transcriptional corepressor 1; plus strand). Cytogenetic location: 13q14.2.
Variant type: single nucleotide variant.
Coding change: c.577G>C on transcript NM_000321.3 (MANE Select); coding-DNA position 577, G replaced by C.
Protein change: p.Val193Leu; replaces valine 193 with leucine.
Molecular consequence: missense variant.
Genome position (GRCh38, 1-based): chr13:48,348,993, G>C. VCF-style: chr13-48348993-G-C. GRCh37 (hg19) VCF-style: chr13-48923129-G-C.
Other names: short protein forms V193L.
Identifiers: ClinVar variation 952238 (VCV000952238.14), dbSNP rs1952523027, ClinGen allele CA388156954.

ClinVar aggregate classification (germline): Conflicting classifications of pathogenicity. Review status: criteria provided, conflicting classifications (1 of 4 stars). 2 submissions from 2 submitters: Uncertain significance (1); Benign (1). Last evaluated 2026-05-05.

Conditions:
Hereditary cancer-predisposing syndrome. Also called: Hereditary Cancer Syndrome; Neoplastic Syndromes, Hereditary; Tumor predisposition; Hereditary neoplastic syndrome. Identifiers: Orphanet 140162, MedGen C0027672, MeSH D009386, MONDO:0015356.
Retinoblastoma (RB1). Also called: RETINOBLASTOMA, SOMATIC. Identifiers: Orphanet 790, MedGen C0035335, MeSH D012175, MONDO:0008380, OMIM 180200, HP:0009919. Disease mechanism: loss of function. Inheritance: Both sporadic and heritable forms are tested..

Submissions (2):

Ambry Genetics
Classification: Benign for Hereditary cancer-predisposing syndrome. Last evaluated: 2026-05-05. Review status: criteria provided, single submitter. Criteria: Ambry Variant Classification Scheme 2023. Collection method: clinical testing. Allele origin: germline.

Labcorp Genetics (formerly Invitae), Labcorp
Classification: Uncertain significance for Retinoblastoma. Last evaluated: 2025-09-27. Review status: criteria provided, single submitter. Criteria: Invitae Variant Classification Sherloc (09022015). Collection method: clinical testing. Allele origin: germline.
Comment: This sequence change replaces valine, which is neutral and non-polar, with leucine, which is neutral and non-polar, at codon 193 of the RB1 protein (p.Val193Leu). This variant is not present in population databases (gnomAD no frequency). This variant has not been reported in the literature in individuals affected with RB1-related conditions. ClinVar contains an entry for this variant (Variation ID: 952238). Invitae Evidence Modeling of protein sequence and biophysical properties (such as structural, functional, and spatial information, amino acid conservation, physicochemical variation, residue mobility, and thermodynamic stability) indicates that this missense variant is not expected to disrupt RB1 protein function with a negative predictive value of 80%. In summary, the available evidence is currently insufficient to determine the role of this variant in disease. Therefore, it has been classified as a Variant of Uncertain Significance.